The following is an entry in ClinVar:

NM_004415.4(DSP):c.4064A>G (p.Tyr1355Cys)

Gene: DSP (desmoplakin; plus strand). Cytogenetic location: 6p24.3.
Variant type: single nucleotide variant.
Coding change: c.4064A>G on transcript NM_004415.4 (MANE Select); coding-DNA position 4064, A replaced by G.
Protein change: p.Tyr1355Cys; replaces tyrosine 1355 with cysteine.
Molecular consequence: missense variant. On other transcripts: intron variant (2).
Genome position (GRCh38, 1-based): chr6:7,580,254, A>G. VCF-style: chr6-7580254-A-G. GRCh37 (hg19) VCF-style: chr6-7580487-A-G.
Other names: c.4050+14A>G (NM_001319034.2); c.3582+482A>G (NM_001008844.3); short protein forms Y1355C.
Identifiers: ClinVar variation 3273888 (VCV003273888.1).

ClinVar aggregate classification (germline): Uncertain significance (1 of 4 stars; one submission).

Conditions:
Cardiovascular phenotype. Identifiers: MedGen CN230736.

gnomAD v4.1: 1 of 1,614,076 alleles (0.000062%); highest among the groups gnomAD compares: Non-Finnish European, 0.000085%; no homozygotes.

Submission:

Ambry Genetics
Classification: Uncertain significance for Cardiovascular phenotype. Last evaluated: 2024-03-27. Review status: criteria provided, single submitter. Criteria: Ambry Variant Classification Scheme 2023. Collection method: clinical testing. Allele origin: germline.
Comment: The p.Y1355C variant (also known as c.4064A>G), located in coding exon 23 of the DSP gene, results from an A to G substitution at nucleotide position 4064. The tyrosine at codon 1355 is replaced by cysteine, an amino acid with highly dissimilar properties. This amino acid position is conserved. In addition, this alteration is predicted to be deleterious by in silico analysis. Based on the available evidence, the clinical significance of this alteration remains unclear.